The following is an entry in ClinVar:

NM_004369.4(COL6A3):c.6158G>T (p.Gly2053Val)

Gene: COL6A3 (collagen type VI alpha 3 chain; minus strand). Cytogenetic location: 2q37.3.
Variant type: single nucleotide variant.
Coding change: c.6158G>T on transcript NM_004369.4 (MANE Select); coding-DNA position 6158, G replaced by T.
Protein change: p.Gly2053Val; replaces glycine 2053 with valine.
Molecular consequence: missense variant.
Genome position (GRCh38, 1-based): chr2:237,361,173, C>A on the plus strand (G>T on the coding strand, the complement: COL6A3 is on the minus strand). VCF-style: chr2-237361173-C-A. GRCh37 (hg19) VCF-style: chr2-238269816-C-A.
Other names: c.4337G>T, p.Gly1446Val (NM_057166.5); c.5540G>T, p.Gly1847Val (NM_057167.4); short protein forms G2053V, G1446V, G1847V.
Identifiers: ClinVar variation 280028 (VCV000280028.52), dbSNP rs886041329, ClinGen allele CA10602841.

ClinVar aggregate classification (germline): Pathogenic. Review status: criteria provided, multiple submitters, no conflicts (2 of 4 stars). 4 submissions from 4 submitters: Pathogenic (4). Last evaluated 2024-02-23.

Conditions:
COL6A3-related disorder. Also called: COL6A3-related disorders; COL6A3-related condition.
Bethlem myopathy 1A. Also called: Bethlem myopathy 1; MYOPATHY, BENIGN CONGENITAL, WITH CONTRACTURES; Bethlem Muscular Dystrophy. Identifiers: Orphanet 610, MedGen CN029274, MONDO:0024530, OMIM 158810.

Submissions (4):

Labcorp Genetics (formerly Invitae), Labcorp
Classification: Pathogenic for Bethlem myopathy 1A. Last evaluated: 2024-02-23. Review status: criteria provided, single submitter. Criteria: Invitae Variant Classification Sherloc (09022015). Collection method: clinical testing. Allele origin: germline.
Comment: This sequence change replaces glycine, which is neutral and non-polar, with valine, which is neutral and non-polar, at codon 2053 of the COL6A3 protein (p.Gly2053Val). This variant is not present in population databases (gnomAD no frequency). This missense change has been observed in individual(s) with autosomal dominant congenital muscular dystrophy (PMID: 24038877, 24907562, 34167565). In at least one individual the variant was observed to be de novo. ClinVar contains an entry for this variant (Variation ID: 280028). An algorithm developed to predict the effect of missense changes on protein structure and function (PolyPhen-2) suggests that this variant is likely to be disruptive. This variant disrupts the triple helix domain of COL6A3. Glycine residues within the Gly-Xaa-Yaa repeats of the triple helix domain are required for the structure and stability of fibrillar collagens (PMID: 7695699, 8218237, 19344236). In COL6A3, missense variants at these glycine residues are significantly enriched in individuals with autosomal dominant disease (PMID: 15689448, 24038877) compared to the general population (ExAC). For these reasons, this variant has been classified as Pathogenic.

Blueprint Genetics
Classification: Pathogenic for COL6A3-related disorders. Last evaluated: 2020-01-10. Review status: criteria provided, single submitter. Criteria: ACMG Guidelines, 2015. Collection method: clinical testing. Allele origin: germline. Affected: yes. Observed: 1 variant allele.

CeGaT Center for Human Genetics Tuebingen
Classification: Pathogenic. Last evaluated: 2016-09-01. Review status: criteria provided, single submitter. Criteria: CeGaT Center For Human Genetics Tuebingen Variant Classification Criteria Version 2. Collection method: clinical testing. Allele origin: germline. Affected: yes. Observed: 1 variant allele.

GeneDx
Classification: Pathogenic. Last evaluated: 2016-03-21. Review status: criteria provided, single submitter. Criteria: GeneDx Variant Classification (06012015). Collection method: clinical testing. Allele origin: germline. Affected: yes.
Comment: The G2053V variant in the COL6A3 gene has been reported previously in the heterozygous state, in one individual with a clinical diagnosis of autosomal dominant Bethlem myopathy, characterized by hypotonia, congenital hip dysplasia, motor delays, muscle weakness, finger contractures, distal laxity, moderate respiratory insufficiency and walker-dependent ambulation (Tagliavini et al., 2014). The G2053V variant was not observed in approximately 6500 individuals of European and African American ancestry in the NHLBI Exome Sequencing Project, indicating it is not a common benign variant in these populations. The G2053V variant is a conservative amino acid substitution, which is not likely to impact secondary protein structure as these residues share similar properties. This substitution occurs at a position that is conserved across species, affecting the Glycine residue of the triple-helical region containing Gly-X-Y repeats. In silico analysis predicts this variant is probably damaging to the protein structure/function. A different missense variant at the same codon (G2053C), and another in a nearby residue (G2056R), have been reported in the Human Gene Mutation Database in association with COL6A3-related disorders (Stenson et al., 2014), supporting the functional importance of this region of the protein. Therefore, we interpret G2053V as a pathogenic variant.

Literature cited by the submitters: PubMed 24038877 (cited by Labcorp Genetics (formerly Invitae), Labcorp); PubMed 24907562 (cited by Labcorp Genetics (formerly Invitae), Labcorp); PubMed 34167565 (cited by Labcorp Genetics (formerly Invitae), Labcorp); PubMed 7695699 (cited by Labcorp Genetics (formerly Invitae), Labcorp); PubMed 8218237 (cited by Labcorp Genetics (formerly Invitae), Labcorp); PubMed 19344236 (cited by Labcorp Genetics (formerly Invitae), Labcorp); PubMed 15689448 (cited by Labcorp Genetics (formerly Invitae), Labcorp).